The following is an entry in ClinVar:

ClinVar aggregate classification (germline): Uncertain significance (1 of 4 stars; one submission).

Conditions:
Cardiovascular phenotype. Identifiers: MedGen CN230736.

Submission:

Ambry Genetics
Classification: Uncertain significance for Cardiovascular phenotype. Last evaluated: 2023-06-24. Review status: criteria provided, single submitter. Criteria: Ambry Variant Classification Scheme 2023. Collection method: clinical testing. Allele origin: germline.
Comment: The p.Q1237E variant (also known as c.3709C>G), located in coding exon 25 of the MYH7 gene, results from a C to G substitution at nucleotide position 3709. The glutamine at codon 1237 is replaced by glutamic acid, an amino acid with highly similar properties. This amino acid position is well conserved in available vertebrate species. In addition, this alteration is predicted to be tolerated by in silico analysis. Since supporting evidence is limited at this time, the clinical significance of this alteration remains unclear.

NM_000257.4(MYH7):c.3709C>G (p.Gln1237Glu)

Gene: MYH7 (myosin heavy chain 7; minus strand). Cytogenetic location: 14q11.2.
Variant type: single nucleotide variant.
Coding change: c.3709C>G on transcript NM_000257.4 (MANE Select); coding-DNA position 3709, C replaced by G.
Protein change: p.Gln1237Glu; replaces glutamine 1237 with glutamic acid.
Molecular consequence: missense variant.
Genome position (GRCh38, 1-based): chr14:23,419,862, G>C on the plus strand (C>G on the coding strand, the complement: MYH7 is on the minus strand). VCF-style: chr14-23419862-G-C. GRCh37 (hg19) VCF-style: chr14-23889071-G-C.
Other names: c.3709C>G, p.Gln1237Glu (NM_001407004.1); short protein forms Q1237E.
Identifiers: ClinVar variation 2625305 (VCV002625305.2), dbSNP rs2502263589, ClinGen allele CA389042954.
Genomic context (GRCh38, chr14:23,419,862, plus strand): 5'-TGGGAGGAGGAAGTTGGAGGAGGGGAGGCCGAGCAGAGCCTGCCTTGGCCTTGATGATCT[G>C]CTCCATGTTGGAGGTGACGTCATCCAGCTCCAGCTTGAACTCGCTCTTCTCCTTCTCCAG-3'
Protein context (NP_000248.2, residues 1227-1247): ELDDVTSNME[Gln1237Glu]IIKAKANLEK